The following is an entry in ClinVar:

ClinVar aggregate classification (germline): Uncertain significance (1 of 4 stars; one submission).

Conditions:
Cardiovascular phenotype. Identifiers: MedGen CN230736.

Allele frequency attached by ClinVar (database versions not stated): gnomAD exomes below 0.00001.
gnomAD v4.1: 1 of 1,614,196 alleles (0.000062%); highest among the groups gnomAD compares: Non-Finnish European, 0.000085%; no homozygotes.

Submission:

Ambry Genetics
Classification: Uncertain significance for Cardiovascular phenotype. Last evaluated: 2020-03-11. Review status: criteria provided, single submitter. Criteria: Ambry Variant Classification Scheme 2023. Collection method: clinical testing. Allele origin: germline.
Comment: The p.N598K variant (also known as c.1794C>A), located in coding exon 13 of the MYH6 gene, results from a C to A substitution at nucleotide position 1794. The asparagine at codon 598 is replaced by lysine, an amino acid with similar properties. This amino acid position is highly conserved in available vertebrate species. In addition, the in silico prediction for this alteration is inconclusive. Since supporting evidence is limited at this time, the clinical significance of this alteration remains unclear.

NM_002471.4(MYH6):c.1794C>A (p.Asn598Lys)

Gene: MYH6 (myosin heavy chain 6; minus strand). Cytogenetic location: 14q11.2.
Variant type: single nucleotide variant.
Coding change: c.1794C>A on transcript NM_002471.4 (MANE Select); coding-DNA position 1794, C replaced by A.
Protein change: p.Asn598Lys; replaces asparagine 598 with lysine.
Molecular consequence: missense variant.
Genome position (GRCh38, 1-based): chr14:23,398,825, G>T on the plus strand (C>A on the coding strand, the complement: MYH6 is on the minus strand). VCF-style: chr14-23398825-G-T. GRCh37 (hg19) VCF-style: chr14-23868034-G-T.
Other names: short protein forms N598K.
Identifiers: ClinVar variation 1780238 (VCV001780238.2), dbSNP rs1891509782, ClinGen allele CA389020060.